The following is an entry in ClinVar:

NM_019892.6(INPP5E):c.1387+17T>C

Gene: INPP5E (inositol polyphosphate-5-phosphatase E; minus strand). Cytogenetic location: 9q34.3.
Variant type: single nucleotide variant.
Coding change: c.1387+17T>C on transcript NM_019892.6 (MANE Select); 17 bases into the intron after coding-DNA position 1387, T replaced by C.
Molecular consequence: intron variant.
Genome position (GRCh38, 1-based): chr9:136,432,462, A>G on the plus strand (T>C on the coding strand, the complement: INPP5E is on the minus strand). VCF-style: chr9-136432462-A-G. GRCh37 (hg19) VCF-style: chr9-139326914-A-G.
Other names: c.1384+17T>C (NM_001318502.2).
Identifiers: ClinVar variation 389496 (VCV000389496.4), dbSNP rs931544953, ClinGen allele CA16605466.

ClinVar aggregate classification (germline): Likely benign. Review status: criteria provided, multiple submitters, no conflicts (2 of 4 stars). 2 submissions from 2 submitters: Likely benign (2). Last evaluated 2023-04-07.

Conditions:
Joubert syndrome. Also called: JOUBERT-BOLTSHAUSER SYNDROME; Familial aplasia of the vermis; CEREBELLOPARENCHYMAL DISORDER IV. Identifiers: Orphanet 475, MedGen C5979921, MONDO:0018772.

Allele frequency attached by ClinVar (database versions not stated): gnomAD 0.00001; gnomAD exomes 0.00001.
gnomAD v4.1: 13 of 1,506,218 alleles (0.00086%); highest among the groups gnomAD compares: Non-Finnish European, 0.0012%; no homozygotes.

Submissions (2):

Labcorp Genetics (formerly Invitae), Labcorp
Classification: Likely benign for Joubert syndrome. Last evaluated: 2023-04-07. Review status: criteria provided, single submitter. Criteria: Invitae Variant Classification Sherloc (09022015). Collection method: clinical testing. Allele origin: germline.

GeneDx
Classification: Likely benign. Last evaluated: 2016-09-29. Review status: criteria provided, single submitter. Criteria: GeneDx Variant Classification (06012015). Collection method: clinical testing. Allele origin: germline. Affected: yes.
Comment: This variant is considered likely benign or benign based on one or more of the following criteria: it is a conservative change, it occurs at a poorly conserved position in the protein, it is predicted to be benign by multiple in silico algorithms, and/or has population frequency not consistent with disease.